The following is an entry in ClinVar:

ClinVar aggregate classification (germline): Conflicting classifications of pathogenicity. Review status: criteria provided, conflicting classifications (1 of 4 stars). 9 submissions from 8 submitters: Uncertain significance (3); Benign (1); Likely benign (5). Last evaluated 2026-09-01.

Conditions:
Low phospholipid associated cholelithiasis (GBD1). Also called: Gallstone cholecystitis; Gallbladder disease 1. Identifiers: Orphanet 69663, MedGen C2609268, MONDO:0010939, OMIM 600803.
Familial intrahepatic cholestasis. Identifiers: Orphanet 284385, MedGen CN296401, MONDO:0017290.
Cholestasis, intrahepatic, of pregnancy, 3. Identifiers: Orphanet 69665, MedGen C3554241, MONDO:0013995, OMIM 614972.
Progressive familial intrahepatic cholestasis type 3. Also called: Low Gamma-GT Familial Intrahepatic Cholestasis; MDR3 DEFICIENCY. Identifiers: Orphanet 79305, MedGen C1865643, MONDO:0011214, OMIM 602347.

Allele frequency attached by ClinVar (database versions not stated): 1000 Genomes Project 30x 0.00078; 1000 Genomes Project 0.00080; ExAC 0.00117; TOPMed 0.00138; gnomAD 0.00139 and 0.00143; gnomAD exomes 0.00140 and 0.00212; ESP Exome Variant Server 0.00177.
gnomAD v4.1: 3,263 of 1,614,144 alleles (0.2%); highest among the groups gnomAD compares: Non-Finnish European, 0.25%; 10 homozygotes.

Submissions (9):

CeGaT Center for Human Genetics Tuebingen
Classification: Likely benign. Last evaluated: 2026-09-01. Review status: criteria provided, single submitter. Criteria: CeGaT Center For Human Genetics Tuebingen Variant Classification Criteria Version 2. Collection method: clinical testing. Allele origin: germline. Affected: yes. Observed: 3 variant alleles.
Comment: ABCB4: BP4, BS1

Genomenon, Inc
Classification: Likely benign for Familial intrahepatic cholestasis; Low phospholipid associated cholelithiasis. Last evaluated: 2026-04-14. Review status: criteria provided, single submitter. Criteria: Genomenon Sequence Variant Interpretation Standards - Updated. Collection method: curation. Allele origin: germline. Affected: no.
Comment: ABCB4 c.3037A>C is a synonymous variant that retains Arginine at residue 1013. This variant has been reported in the published literature (PMID:28733223). This synonymous variant is not predicted to impact splicing. In conclusion, we classify ABCB4 p.Arg1013= (c.3037A>C) as a likely benign variant.

Labcorp Genetics (formerly Invitae), Labcorp
Classification: Benign. Last evaluated: 2026-01-28. Review status: criteria provided, single submitter. Criteria: Invitae Variant Classification Sherloc (09022015). Collection method: clinical testing. Allele origin: germline.

Mayo Clinic Laboratories, Mayo Clinic
Classification: Likely benign. Last evaluated: 2025-07-08. Review status: criteria provided, single submitter. Criteria: ACMG Guidelines, 2015. Collection method: clinical testing. Allele origin: germline. Observed: 1 variant allele.
Comment: BS1, BP4

Blueprint Genetics
Classification: Likely benign. Last evaluated: 2024-11-19. Review status: criteria provided, single submitter. Criteria: ACMG Guidelines, 2015. Collection method: clinical testing. Allele origin: germline.

Eurofins Ntd Llc (ga)
Classification: Uncertain significance. Last evaluated: 2018-08-22. Review status: criteria provided, single submitter. Criteria: EGL ClinVar v180209 classification definitions. Collection method: clinical testing. Allele origin: germline. Observed: 12 variant alleles, 12 heterozygotes.

Illumina Laboratory Services, Illumina
Classification: Uncertain significance for Progressive familial intrahepatic cholestasis type 3. Last evaluated: 2018-01-13. Review status: criteria provided, single submitter. Criteria: ICSL Variant Classification Criteria 13 December 2019. Collection method: clinical testing. Allele origin: germline.

Illumina Laboratory Services, Illumina
Classification: Uncertain significance for Cholestasis, intrahepatic, of pregnancy, 3. Last evaluated: 2018-01-13. Review status: criteria provided, single submitter. Criteria: ICSL Variant Classification Criteria 13 December 2019. Collection method: clinical testing. Allele origin: germline.

GeneDx
Classification: Likely benign. Last evaluated: 2017-11-16. Review status: criteria provided, single submitter. Criteria: GeneDx Variant Classification (06012015). Collection method: clinical testing. Allele origin: germline. Affected: yes.
Comment: This variant is considered likely benign or benign based on one or more of the following criteria: it is a conservative change, it occurs at a poorly conserved position in the protein, it is predicted to be benign by multiple in silico algorithms, and/or has population frequency not consistent with disease.

Literature cited by the submitters: PubMed 28733223 (cited by Genomenon, Inc).

NM_000443.4(ABCB4):c.3037A>C (p.Arg1013=)

Gene: ABCB4 (ATP binding cassette subfamily B member 4; minus strand). Cytogenetic location: 7q21.12.
Variant type: single nucleotide variant.
Coding change: c.3037A>C on transcript NM_000443.4 (MANE Select); coding-DNA position 3037, A replaced by C.
Protein change: p.Arg1013=; no amino-acid change (arginine 1013 retained).
Molecular consequence: synonymous variant.
Genome position (GRCh38, 1-based): chr7:87,409,280, T>G on the plus strand (A>C on the coding strand, the complement: ABCB4 is on the minus strand). VCF-style: chr7-87409280-T-G. GRCh37 (hg19) VCF-style: chr7-87038596-T-G.
Other names: p.Arg1013=; c.3037A>C, p.Arg1013= (NM_018849.3); c.2896A>C, p.Arg966= (NM_018850.3).
Identifiers: ClinVar variation 282951 (VCV000282951.44), dbSNP rs2230029, ClinGen allele CA4326876.
Genomic context (GRCh38, chr7:87,409,280, plus strand): 5'-GCATCAGAGAACTTACAGGCTTCAGCCCCTCTTCACTGTAGCTGTCAATCAGAGGTTGTC[T>G]TTCAAACAGCATGAATAAGTGGGCTGCAGACAGCTTAGCTTTAGCATAGTCTGGAGCAAA-3'
Protein context (NP_000434.1, residues 1003-1023): SAAHLFMLFE[Arg1013=]QPLIDSYSEE